The following is an entry in ClinVar:

ClinVar aggregate classification (germline): Likely benign. Review status: criteria provided, multiple submitters, no conflicts (2 of 4 stars). 3 submissions from 3 submitters: Likely benign (2). 1 of the submissions does not count toward it. Last evaluated 2025-11-10.

Conditions:
LRRK1-related disorder. Also called: LRRK1-related condition.

Allele frequency attached by ClinVar (database versions not stated): 1000 Genomes Project 30x 0.00047; gnomAD 0.00073; TOPMed 0.00088; 1000 Genomes Project 0.00060; ESP Exome Variant Server 0.00091.
gnomAD v4.1: 329 of 1,613,998 alleles (0.02%); highest among the groups gnomAD compares: African/African-American, 0.31%; 1 homozygote.

Submissions (3):

Labcorp Genetics (formerly Invitae), Labcorp
Classification: Likely benign. Last evaluated: 2025-11-10. Review status: criteria provided, single submitter. Criteria: Invitae Variant Classification Sherloc (09022015). Collection method: clinical testing. Allele origin: germline.

Breakthrough Genomics
Classification: Likely benign. Review status: criteria provided, single submitter. Criteria: ACMG Guidelines, 2015. Collection method: not provided. Allele origin: germline. Inheritance: Autosomal recessive inheritance. Affected: yes.

PreventionGenetics, part of Exact Sciences
Classification: Likely benign for LRRK1-related condition. Last evaluated: 2022-08-02. Review status: no assertion criteria provided. Collection method: clinical testing. Allele origin: germline. Not counted in ClinVar's aggregate classification.
Comment: This variant is classified as likely benign based on ACMG/AMP sequence variant interpretation guidelines (Richards et al. 2015 PMID: 25741868, with internal and published modifications).

NM_024652.6(LRRK1):c.972C>G (p.Asp324Glu)

Gene: LRRK1 (leucine rich repeat kinase 1; plus strand). Cytogenetic location: 15q26.3.
Variant type: single nucleotide variant.
Coding change: c.972C>G on transcript NM_024652.6 (MANE Select); coding-DNA position 972, C replaced by G.
Protein change: p.Asp324Glu; replaces aspartic acid 324 with glutamic acid.
Molecular consequence: missense variant.
Genome position (GRCh38, 1-based): chr15:101,009,046, C>G. VCF-style: chr15-101009046-C-G. GRCh37 (hg19) VCF-style: chr15-101549251-C-G.
Other names: c.972C>G (NM_024652.5); short protein forms D324E.
Identifiers: ClinVar variation 708971 (VCV000708971.10), dbSNP rs184008590, ClinGen allele CA7760747.